The following is an entry in ClinVar:

ClinVar aggregate classification (germline): Uncertain significance. Review status: criteria provided, multiple submitters, no conflicts (2 of 4 stars). 2 submissions from 2 submitters: Uncertain significance (2). Last evaluated 2025-05-12.

Conditions:
Mast syndrome. Also called: SPASTIC PARAPLEGIA 21, AUTOSOMAL RECESSIVE. Identifiers: Orphanet 101001, MedGen C1855346, MONDO:0009568, OMIM 248900.

Allele frequency attached by ClinVar (database versions not stated): gnomAD 0.00001; gnomAD exomes 0.00001; TOPMed 0.00001.
gnomAD v4.1: 13 of 1,611,402 alleles (0.00081%); highest among the groups gnomAD compares: Non-Finnish European, 0.00085%; no homozygotes.

Submissions (2):

Mayo Clinic Laboratories, Mayo Clinic
Classification: Uncertain significance. Last evaluated: 2025-05-12. Review status: criteria provided, single submitter. Criteria: ACMG Guidelines, 2015. Collection method: clinical testing. Allele origin: germline. Observed: 1 variant allele.
Comment: BP4_moderate

Labcorp Genetics (formerly Invitae), Labcorp
Classification: Uncertain significance for Mast syndrome. Last evaluated: 2021-05-13. Review status: criteria provided, single submitter. Criteria: Invitae Variant Classification Sherloc (09022015). Collection method: clinical testing. Allele origin: germline.
Comment: This sequence change replaces serine with asparagine at codon 190 of the SPG21 protein (p.Ser190Asn). The serine residue is highly conserved and there is a small physicochemical difference between serine and asparagine. This variant is not present in population databases (ExAC no frequency). In summary, the available evidence is currently insufficient to determine the role of this variant in disease. Therefore, it has been classified as a Variant of Uncertain Significance. Algorithms developed to predict the effect of missense changes on protein structure and function are either unavailable or do not agree on the potential impact of this missense change (SIFT: "Deleterious"; PolyPhen-2: "Benign"; Align-GVGD: "Class C45"). This variant has not been reported in the literature in individuals with SPG21-related conditions.

NM_016630.7(SPG21):c.569G>A (p.Ser190Asn)

Gene: SPG21 (SPG21 abhydrolase domain containing, maspardin; minus strand). Cytogenetic location: 15q22.31.
Variant type: single nucleotide variant.
Coding change: c.569G>A on transcript NM_016630.7 (MANE Select); coding-DNA position 569, G replaced by A.
Protein change: p.Ser190Asn; replaces serine 190 with asparagine.
Molecular consequence: missense variant.
Genome position (GRCh38, 1-based): chr15:64,969,355, C>T on the plus strand (G>A on the coding strand, the complement: SPG21 is on the minus strand). VCF-style: chr15-64969355-C-T. GRCh37 (hg19) VCF-style: chr15-65261692-C-T.
Other names: p.Ser190Asn; c.569G>A, p.Ser190Asn (NM_001127889.5); c.488G>A, p.Ser163Asn (NM_001127890.5); short protein forms S190N, S163N.
Identifiers: ClinVar variation 1397004 (VCV001397004.9), dbSNP rs899108970, ClinGen allele CA271501937.
Genomic context (GRCh38, chr15:64,969,355, plus strand): 5'-TCCACATAAGAATTTTGACAATTCAAGGTAAGTCTTGAAGCCAGTTCACTCTGACCCAAA[C>T]TTTCTAGCTGCAGGAAGAAACACAGGTAAAGTTTTTGAAATAATTTTGTTTTTCACATTT-3'
Protein context (NP_057714.1, residues 180-200): AIDFMVDRLE[Ser190Asn]LGQSELASRL